The following is an entry in ClinVar:

ClinVar aggregate classification (germline): Uncertain significance (1 of 4 stars; one submission).

gnomAD v4.1: 25 of 1,613,880 alleles (0.0015%); highest among the groups gnomAD compares: Middle Eastern, 0.033%; no homozygotes.

Submission:

Ambry Genetics
Classification: Uncertain significance. Last evaluated: 2025-11-08. Review status: criteria provided, single submitter. Criteria: Ambry Variant Classification Scheme 2023. Collection method: clinical testing. Allele origin: germline.
Comment: The c.116T>A (p.I39N) alteration is located in exon 3 (coding exon 2) of the MKI67 gene. This alteration results from a T to A substitution at nucleotide position 116, causing the isoleucine (I) at amino acid position 39 to be replaced by an asparagine (N). Based on data from gnomAD, the A allele has an overall frequency of 0.004% (9/251368) total alleles studied. The highest observed frequency was 0.017% (6/34572) of Latino alleles. Based on insufficient or conflicting evidence, the clinical significance of this alteration remains unclear.

NM_002417.5(MKI67):c.116T>A (p.Ile39Asn)

Gene: MKI67 (marker of proliferation Ki-67; minus strand). Cytogenetic location: 10q26.2.
Variant type: single nucleotide variant.
Coding change: c.116T>A on transcript NM_002417.5 (MANE Select); coding-DNA position 116, T replaced by A.
Protein change: p.Ile39Asn; replaces isoleucine 39 with asparagine.
Molecular consequence: missense variant.
Genome position (GRCh38, 1-based): chr10:128,123,146, A>T on the plus strand (T>A on the coding strand, the complement: MKI67 is on the minus strand). VCF-style: chr10-128123146-A-T. GRCh37 (hg19) VCF-style: chr10-129921410-A-T.
Other names: c.116T>A, p.Ile39Asn (NM_001145966.2); short protein forms I39N.
Identifiers: ClinVar variation 4551925 (VCV004551925.1).